The following is an entry in ClinVar:

NM_177438.3(DICER1):c.3839G>T (p.Ser1280Ile)

Gene: DICER1 (dicer 1, ribonuclease III; minus strand). Cytogenetic location: 14q32.13.
Variant type: single nucleotide variant.
Coding change: c.3839G>T on transcript NM_177438.3 (MANE Select); coding-DNA position 3839, G replaced by T.
Protein change: p.Ser1280Ile; replaces serine 1280 with isoleucine.
Molecular consequence: missense variant.
Genome position (GRCh38, 1-based): chr14:95,103,557, C>A on the plus strand (G>T on the coding strand, the complement: DICER1 is on the minus strand). VCF-style: chr14-95103557-C-A. GRCh37 (hg19) VCF-style: chr14-95569894-C-A.
Other names: c.3839G>T, p.Ser1280Ile (NM_001195573.1, NM_001271282.3, NM_001291628.2 and 1 more transcripts); short protein forms S1280I.
Identifiers: ClinVar variation 824282 (VCV000824282.16), dbSNP rs1595364485, ClinGen allele CA390873334.

ClinVar aggregate classification (germline): Uncertain significance. Review status: criteria provided, multiple submitters, no conflicts (2 of 4 stars). 3 submissions from 3 submitters: Uncertain significance (3). Last evaluated 2023-12-06.

Conditions:
DICER1-related tumor predisposition. Also called: DICER1-related pleuropulmonary blastoma cancer predisposition syndrome; DICER1 syndrome. Identifiers: Orphanet 284343, MedGen C3839822, MONDO:0100216.
Hereditary cancer-predisposing syndrome. Also called: Neoplastic Syndromes, Hereditary; Hereditary Cancer Syndrome; Hereditary neoplastic syndrome; Tumor predisposition. Identifiers: Orphanet 140162, MedGen C0027672, MeSH D009386, MONDO:0015356.
Euthyroid goiter (MNG1). Also called: Goiter, multinodular 1, with or without Sertoli-Leydig cell tumors; GOITER, NONTOXIC, WITH INTRATHYROIDAL CALCIFICATION; MULTINODULAR GOITER, ADOLESCENT; SIMPLE GOITER. Identifiers: Orphanet 276399, MedGen C0302859, MONDO:0007681, OMIM 138800, HP:0009798.

Submissions (3):

Ambry Genetics
Classification: Uncertain significance for Hereditary cancer-predisposing syndrome. Last evaluated: 2023-12-06. Review status: criteria provided, single submitter. Criteria: Ambry Variant Classification Scheme 2023. Collection method: clinical testing. Allele origin: germline.
Comment: The p.S1280I variant (also known as c.3839G>T), located in coding exon 20 of the DICER1 gene, results from a G to T substitution at nucleotide position 3839. The serine at codon 1280 is replaced by isoleucine, an amino acid with dissimilar properties. This amino acid position is not well conserved in available vertebrate species. In addition, the in silico prediction for this alteration is inconclusive. Since supporting evidence is limited at this time, the clinical significance of this alteration remains unclear.

Baylor Genetics
Classification: Uncertain significance for Euthyroid goiter. Last evaluated: 2021-02-09. Review status: criteria provided, single submitter. Criteria: ACMG Guidelines, 2015. Collection method: clinical testing. Allele origin: maternal. Affected: yes. Study: CSER-TexasKidsCanSeq.
Comment: This variant was determined to be of uncertain significance according to ACMG Guidelines, 2015 [PMID:25741868].

Labcorp Genetics (formerly Invitae), Labcorp
Classification: Uncertain significance for DICER1-related tumor predisposition. Last evaluated: 2019-11-22. Review status: criteria provided, single submitter. Criteria: Invitae Variant Classification Sherloc (09022015). Collection method: clinical testing. Allele origin: germline.
Comment: In summary, the available evidence is currently insufficient to determine the role of this variant in disease. Therefore, it has been classified as a Variant of Uncertain Significance. Algorithms developed to predict the effect of missense changes on protein structure and function (SIFT, PolyPhen-2, Align-GVGD) all suggest that this variant is likely to be tolerated, but these predictions have not been confirmed by published functional studies and their clinical significance is uncertain. This variant has not been reported in the literature in individuals with DICER1-related conditions. This variant is not present in population databases (ExAC no frequency). This sequence change replaces serine with isoleucine at codon 1280 of the DICER1 protein (p.Ser1280Ile). The serine residue is weakly conserved and there is a large physicochemical difference between serine and isoleucine.